The following is an entry in ClinVar:

NM_031418.4(ANO3):c.1760T>C (p.Ile587Thr)

Gene: ANO3 (anoctamin 3; plus strand). Cytogenetic location: 11p14.2.
Variant type: single nucleotide variant.
Coding change: c.1760T>C on transcript NM_031418.4 (MANE Select); coding-DNA position 1760, T replaced by C.
Protein change: p.Ile587Thr; replaces isoleucine 587 with threonine.
Molecular consequence: missense variant.
Genome position (GRCh38, 1-based): chr11:26,599,638, T>C. VCF-style: chr11-26599638-T-C. GRCh37 (hg19) VCF-style: chr11-26621185-T-C.
Other names: c.1943T>C, p.Ile648Thr (NM_001313726.2); c.1322T>C, p.Ile441Thr (NM_001313727.2); short protein forms I441T, I648T, I587T.
Identifiers: ClinVar variation 1810511 (VCV001810511.1), dbSNP rs2538936048, ClinGen allele CA379941716.

ClinVar aggregate classification (germline): Uncertain significance (1 of 4 stars; one submission).

Submission:

GeneDx
Classification: Uncertain significance. Last evaluated: 2022-07-07. Review status: criteria provided, single submitter. Criteria: GeneDx Variant Classification Process June 2021. Collection method: clinical testing. Allele origin: germline. Affected: yes.
Comment: Not observed at significant frequency in large population cohorts (gnomAD); In silico analysis supports that this missense variant has a deleterious effect on protein structure/function; Has not been previously published as pathogenic or benign to our knowledge